The following is an entry in ClinVar:

NM_198271.5(LMOD3):c.444AGA[2] (p.Glu150_Glu151del)

Gene: LMOD3 (leiomodin 3; minus strand). Cytogenetic location: 3p14.1.
Variant type: Microsatellite.
Coding change: c.444AGA[2] on transcript NM_198271.5 (MANE Select); two copies in a row of the 3-base unit AGA starting at c.444; the reference has four copies in a row; two copies, 6 bases deleted.
Protein change: p.Glu150_Glu151del.
Molecular consequence: inframe deletion.
Genome position (GRCh38, 1-based): chr3:69,119,900-69,119,905, TCTTCT deleted on the plus strand (AGAAGA on the coding strand, the reverse complement: LMOD3 is on the minus strand); deleting any 6 consecutive bases within chr3:69,119,900-69,119,913 gives the same sequence; the position shown is the placement nearest the transcript's 3' end. VCF-style (leftmost placement, unchanged base first): chr3-69119899-ATCTTCT-A. GRCh37 (hg19) VCF-style: chr3-69169050-ATCTTCT-A.
Other names: c.444AGA[2], p.Glu150_Glu151del (NM_001304418.3).
Identifiers: ClinVar variation 1402344 (VCV001402344.3), dbSNP rs753459417, ClinGen allele CA2488982.

ClinVar aggregate classification (germline): Uncertain significance (1 of 4 stars; one submission).

Conditions:
Nemaline myopathy 10 (NEM10). Identifiers: MedGen C4015360, MONDO:0014513, OMIM 616165.

Submission:

Labcorp Genetics (formerly Invitae), Labcorp
Classification: Uncertain significance for Nemaline myopathy 10. Last evaluated: 2022-06-25. Review status: criteria provided, single submitter. Criteria: Invitae Variant Classification Sherloc (09022015). Collection method: clinical testing. Allele origin: germline.
Comment: This variant, c.450_455del, results in the deletion of 2 amino acid(s) of the LMOD3 protein (p.Glu150_Glu151del), but otherwise preserves the integrity of the reading frame. This variant is present in population databases (rs753459417, gnomAD 0.006%). This variant has not been reported in the literature in individuals affected with LMOD3-related conditions. Experimental studies and prediction algorithms are not available or were not evaluated, and the functional significance of this variant is currently unknown. In summary, the available evidence is currently insufficient to determine the role of this variant in disease. Therefore, it has been classified as a Variant of Uncertain Significance.